The following is an entry in ClinVar:

NM_003995.4(NPR2):c.3058C>T (p.Arg1020Trp)

Genes: SPAG8 (sperm associated antigen 8; minus strand), NPR2 (natriuretic peptide receptor 2; plus strand). Cytogenetic location: 9p13.3.
Variant type: single nucleotide variant.
Coding change: c.3058C>T on transcript NM_003995.4 (MANE Select); coding-DNA position 3058, C replaced by T.
Protein change: p.Arg1020Trp; replaces arginine 1020 with tryptophan.
Molecular consequence: missense variant. On other transcripts: intron variant (2).
Genome position (GRCh38, 1-based): chr9:35,809,227, C>T. VCF-style: chr9-35809227-C-T. GRCh37 (hg19) VCF-style: chr9-35809224-C-T.
Other names: c.1201-921G>A (NM_001366760.2); c.1372+177G>A (NM_172312.2); c.3067C>T, p.Arg1023Trp (NM_001378923.1); short protein forms R1020W, R1023W.
Identifiers: ClinVar variation 3340206 (VCV003340206.1).

ClinVar aggregate classification (germline): Conflicting classifications of pathogenicity. Review status: criteria provided, conflicting classifications (1 of 4 stars). 2 submissions from 2 submitters: Likely pathogenic (1); Uncertain significance (1). Last evaluated 2025-09-10.

Conditions:
Acromesomelic dysplasia 1, Maroteaux type (AMD1). Also called: ST. HELENA DYSPLASIA; ACROMESOMELIC DYSPLASIA 1. Identifiers: Orphanet 40, MedGen C1864356, MONDO:0011275, OMIM 602875.

Submissions (2):

Genomic Medicine Center of Excellence, King Faisal Specialist Hospital and Research Centre
Classification: Uncertain significance for Acromesomelic dysplasia 1, Maroteaux type. Last evaluated: 2025-09-10. Review status: criteria provided, single submitter. Criteria: ACMG Guidelines, 2015. Collection method: clinical testing. Allele origin: germline.

GeneDx
Classification: Likely pathogenic. Last evaluated: 2023-07-05. Review status: criteria provided, single submitter. Criteria: GeneDx Variant Classification Process June 2021. Collection method: clinical testing. Allele origin: germline. Affected: yes.
Comment: Reported in a patient with limb shortening, short stature, and dysmorphic features in the published literature (Hisado-Oliva et al., 215); Published functional studies demonstrate a damaging effect on protein trafficking which impacts cGMP synthesis (Hisado-Oliva et al., 2015); In silico analysis supports that this missense variant has a deleterious effect on protein structure/function; Not observed at significant frequency in large population cohorts (gnomAD); This variant is associated with the following publications: (PMID: 30016695, 31927522, 31990356, 26075495, 34162036)